The following is an entry in ClinVar:

ClinVar aggregate classification (germline): Benign. Review status: criteria provided, multiple submitters, no conflicts (2 of 4 stars). 3 submissions from 3 submitters: Benign (2). 1 of the submissions does not count toward it. Last evaluated 2019-12-31.

Conditions:
NFASC-related disorder. Also called: NFASC-related condition.

Allele frequency attached by ClinVar (database versions not stated): ExAC 0.00607; gnomAD 0.01955 and 0.02090; TOPMed 0.02194; gnomAD exomes 0.00483 and 0.00175; 1000 Genomes Project 0.02077; ESP Exome Variant Server 0.02222; 1000 Genomes Project 30x 0.02264.
gnomAD v4.1: 5,651 of 1,614,024 alleles (0.35%); highest among the groups gnomAD compares: African/African-American, 6.6%; 164 homozygotes.

Submissions (3):

Labcorp Genetics (formerly Invitae), Labcorp
Classification: Benign. Last evaluated: 2019-12-31. Review status: criteria provided, single submitter. Criteria: Invitae Variant Classification Sherloc (09022015). Collection method: clinical testing. Allele origin: germline.

Breakthrough Genomics
Classification: Benign. Review status: criteria provided, single submitter. Criteria: ACMG Guidelines, 2015. Collection method: not provided. Allele origin: germline. Inheritance: Autosomal recessive inheritance. Affected: yes.

PreventionGenetics, part of Exact Sciences
Classification: Benign for NFASC-related condition. Last evaluated: 2019-02-19. Review status: no assertion criteria provided. Collection method: clinical testing. Allele origin: germline. Not counted in ClinVar's aggregate classification.
Comment: This variant is classified as benign based on ACMG/AMP sequence variant interpretation guidelines (Richards et al. 2015 PMID: 25741868, with internal and published modifications).

NM_001005388.3(NFASC):c.1023C>T (p.Asp341=)

Gene: NFASC (neurofascin; plus strand). Cytogenetic location: 1q32.1.
Variant type: single nucleotide variant.
Coding change: c.1023C>T on transcript NM_001005388.3 (MANE Select); coding-DNA position 1023, C replaced by T.
Protein change: p.Asp341=; no amino-acid change (aspartic acid 341 retained).
Molecular consequence: synonymous variant. On other transcripts: non-coding transcript variant (1).
Genome position (GRCh38, 1-based): chr1:204,970,635, C>T. VCF-style: chr1-204970635-C-T. GRCh37 (hg19) VCF-style: chr1-204939763-C-T.
Other names: c.1023C>T, p.Asp341= (NM_001005389.2, NM_001378329.1); c.1056C>T, p.Asp352= (NM_001160331.2, NM_001160332.2, NM_001365986.1 and 3 more transcripts); c.1005C>T, p.Asp335= (NM_001160333.2); c.1023C>T (NM_001005388.2).
Identifiers: ClinVar variation 784969 (VCV000784969.7), dbSNP rs6690894, ClinGen allele CA1349792.